The following is an entry in ClinVar:

ClinVar aggregate classification (germline): Uncertain significance (1 of 4 stars; one submission).

Allele frequency attached by ClinVar (database versions not stated): gnomAD exomes 0.00001; TOPMed 0.00001.

Submission:

CeGaT Center for Human Genetics Tuebingen
Classification: Uncertain significance. Last evaluated: 2023-09-01. Review status: criteria provided, single submitter. Criteria: CeGaT Center For Human Genetics Tuebingen Variant Classification Criteria Version 2. Collection method: clinical testing. Allele origin: germline. Affected: yes. Observed: 1 variant allele.
Comment: CYP3A4: PM2, BP4

NM_017460.6(CYP3A4):c.614A>G (p.Glu205Gly)

Gene: CYP3A4 (cytochrome P450 family 3 subfamily A member 4; minus strand). Cytogenetic location: 7q22.1.
Variant type: single nucleotide variant.
Coding change: c.614A>G on transcript NM_017460.6 (MANE Select); coding-DNA position 614, A replaced by G.
Protein change: p.Glu205Gly; replaces glutamic acid 205 with glycine.
Molecular consequence: missense variant.
Genome position (GRCh38, 1-based): chr7:99,768,410, T>C on the plus strand (A>G on the coding strand, the complement: CYP3A4 is on the minus strand). VCF-style: chr7-99768410-T-C. GRCh37 (hg19) VCF-style: chr7-99366033-T-C.
Other names: c.614A>G, p.Glu205Gly (NM_001202855.3); short protein forms E205G.
Identifiers: ClinVar variation 2657726 (VCV002657726.24), dbSNP rs1418257910, ClinGen allele CA368370898.